The following is an entry in ClinVar:

NM_005581.5(BCAM):c.922-9G>A

Gene: BCAM (basal cell adhesion molecule (Lutheran blood group); plus strand). Cytogenetic location: 19q13.32.
Variant type: single nucleotide variant.
Coding change: c.922-9G>A on transcript NM_005581.5 (MANE Select); 9 bases into the intron before coding-DNA position 922, G replaced by A.
Molecular consequence: intron variant.
Genome position (GRCh38, 1-based): chr19:44,814,595, G>A. VCF-style: chr19-44814595-G-A. GRCh37 (hg19) VCF-style: chr19-45317852-G-A.
Other names: c.922-9G>A (NM_001013257.2).
Identifiers: ClinVar variation 708620 (VCV000708620.5), dbSNP rs200794949, ClinGen allele CA9504598.
Genomic context (GRCh38, chr19:44,814,595, plus strand): 5'-TCTGACCTAGCATGAGCCCGCTGAACCGGGGTGGCTTCTGAGCCTGGTTCCTCGTCCCCC[G>A]TCTCCCAGGATGAGCAGGAGGAAGTGCTGAATGTGAATCTCGAGGGGAACTTGACCCTGG-3'

ClinVar aggregate classification (germline): Benign. Review status: criteria provided, single submitter (1 of 4 stars). 2 submissions from 2 submitters: Benign (1). 1 of the submissions does not count toward it. Last evaluated 2018-04-10.

Conditions:
BCAM-related disorder. Also called: BCAM-related condition.

Allele frequency attached by ClinVar (database versions not stated): gnomAD exomes 0.00029; ExAC 0.00040; ESP Exome Variant Server 0.00085; gnomAD 0.00117 and 0.00120; TOPMed 0.00133; 1000 Genomes Project 30x 0.00234; 1000 Genomes Project 0.00240.
gnomAD v4.1: 349 of 1,610,024 alleles (0.022%); highest among the groups gnomAD compares: African/African-American, 0.42%; 2 homozygotes.

Submissions (2):

Labcorp Genetics (formerly Invitae), Labcorp
Classification: Benign. Last evaluated: 2018-04-10. Review status: criteria provided, single submitter. Criteria: Invitae Variant Classification Sherloc (09022015). Collection method: clinical testing. Allele origin: germline.

PreventionGenetics, part of Exact Sciences
Classification: Likely benign for BCAM-related condition. Last evaluated: 2019-08-12. Review status: no assertion criteria provided. Collection method: clinical testing. Allele origin: germline. Not counted in ClinVar's aggregate classification.
Comment: This variant is classified as likely benign based on ACMG/AMP sequence variant interpretation guidelines (Richards et al. 2015 PMID: 25741868, with internal and published modifications).